The following is an entry in ClinVar:

ClinVar aggregate classification (germline): Pathogenic/Likely pathogenic. Review status: criteria provided, multiple submitters, no conflicts (2 of 4 stars). 3 submissions from 3 submitters: Pathogenic (1); Likely pathogenic (1). 1 of the submissions does not count toward it. Last evaluated 2024-08-29.

Conditions:
Spermatogenic failure 65 (SPGF65). Identifiers: MedGen C5562067, MONDO:0030531, OMIM 619712.

gnomAD v4.1: 5 of 1,551,568 alleles (0.00032%); highest among the groups gnomAD compares: East Asian, 0.0098%; no homozygotes.

Submissions (3):

3billion
Classification: Pathogenic for Spermatogenic failure 65. Last evaluated: 2024-08-29. Review status: criteria provided, single submitter. Criteria: ACMG Guidelines, 2015. Collection method: clinical testing. Allele origin: germline. Affected: yes.
Comment: The variant is observed at an extremely low frequency in the gnomAD v4.0.0 dataset (total allele frequency: <0.001%). Predicted Consequence/Location: Stop-gained (nonsense): predicted to result in a loss or disruption of normal protein function through nonsense-mediated decay (NMD) or protein truncation. Multiple pathogenic variants are reported downstream of the variant. In silico tools predict the variant to alter splicing and produce an abnormal transcript [SpliceAI: 0.87 (spliceogenicity >=0.2, non-spliceogenicity <0.1)]. The variant has been reported at least twice as pathogenic without evidence for the classification (ClinVar ID: VCV001334450 /PMID: 34932939). Therefore, this variant is classified as Pathogenic according to the recommendation of ACMG/AMP guideline.

SIB Swiss Institute of Bioinformatics
Classification: Likely pathogenic for Spermatogenic failure 65. Last evaluated: 2022-06-20. Review status: criteria provided, single submitter. Criteria: ACMG Guidelines, 2015. Collection method: curation. Allele origin: unknown.
Comment: This variant is interpreted as likely pathogenic for Spermatogenic failure 65, autosomal recessive. The following ACMG Tag(s) were applied: Absent from controls (or at extremely low frequency if recessive) in Exome Sequencing Project, 1000 Genomes Project, or Exome Aggregation Consortium (PM2); Predicted nullvariant in a gene where LOF is a known mechanism of disease (PVS1 downgraded to strong); Well-established functional studies show a deleterious effect (PS3 downgraded to moderate).

OMIM
Classification: Pathogenic for SPERMATOGENIC FAILURE 65. Last evaluated: 2022-01-19. Review status: no assertion criteria provided. Collection method: literature only. Allele origin: germline. Not counted in ClinVar's aggregate classification.

Literature cited by the submitters: PubMed 34932939 (cited by 3 submitters).

NM_144666.3(DNHD1):c.6498T>G (p.Tyr2166Ter)

Gene: DNHD1 (dynein heavy chain domain 1; plus strand). Cytogenetic location: 11p15.4.
Variant type: single nucleotide variant.
Coding change: c.6498T>G on transcript NM_144666.3 (MANE Select); coding-DNA position 6498, T replaced by G.
Protein change: p.Tyr2166Ter; replaces tyrosine 2166 with a stop codon.
Molecular consequence: nonsense.
Genome position (GRCh38, 1-based): chr11:6,547,437, T>G. VCF-style: chr11-6547437-T-G. GRCh37 (hg19) VCF-style: chr11-6568667-T-G.
Other names: short protein forms Y2166*.
Identifiers: ClinVar variation 1334450 (VCV001334450.3), dbSNP rs61729699, ClinGen allele CA379427474.